The following is an entry in ClinVar:

NM_001844.5(COL2A1):c.1259G>A (p.Gly420Glu)

Gene: COL2A1 (collagen type II alpha 1 chain; minus strand). Cytogenetic location: 12q13.11.
Variant type: single nucleotide variant.
Coding change: c.1259G>A on transcript NM_001844.5 (MANE Select); coding-DNA position 1259, G replaced by A.
Protein change: p.Gly420Glu; replaces glycine 420 with glutamic acid.
Molecular consequence: missense variant.
Genome position (GRCh38, 1-based): chr12:47,987,276, C>T on the plus strand (G>A on the coding strand, the complement: COL2A1 is on the minus strand). VCF-style: chr12-47987276-C-T. GRCh37 (hg19) VCF-style: chr12-48381059-C-T.
Other names: c.1052G>A, p.Gly351Glu (NM_033150.3); short protein forms G351E, G420E.
Identifiers: ClinVar variation 1074308 (VCV001074308.9), dbSNP rs2136577028, ClinGen allele CA384554153.
Genomic context (GRCh38, chr12:47,987,276, plus strand): 5'-GAGAGGCAGGACTGGGCTCTCCTGGGGTAGCAAAGTCCACGGGCAACACTCACAGCAGAT[C>T]CTTTGGCTCCAGGAATTCCATCTGTTCCAGGGTTACCCTGAAAAGGGAGACATTGTCAAA-3'
Protein context (NP_001835.3, residues 410-430): PGTDGIPGAK[Gly420Glu]SAGAPGIAGA

ClinVar aggregate classification (germline): Pathogenic (1 of 4 stars; one submission).

Submission:

Labcorp Genetics (formerly Invitae), Labcorp
Classification: Pathogenic. Last evaluated: 2022-11-01. Review status: criteria provided, single submitter. Criteria: Invitae Variant Classification Sherloc (09022015). Collection method: clinical testing. Allele origin: germline.
Comment: ClinVar contains an entry for this variant (Variation ID: 1074308). For these reasons, this variant has been classified as Pathogenic. This variant disrupts the triple helix domain of COL2A1. Glycine residues within the Gly-Xaa-Yaa repeats of the triple helix domain are required for the structure and stability of fibrillar collagens (PMID: 7695699, 8218237, 19344236). In COL2A1, variants affecting these glycine residues are significantly enriched in individuals with disease (PMID: 9016532, 17078022) compared to the general population (ExAC). Advanced modeling of protein sequence and biophysical properties (such as structural, functional, and spatial information, amino acid conservation, physicochemical variation, residue mobility, and thermodynamic stability) performed at Invitae indicates that this missense variant is expected to disrupt COL2A1 protein function. This missense change has been observed in individual(s) with clinical features of spondyloepiphyseal dysplasia congenita (PMID: 26626311; Invitae). In at least one individual the variant was observed to be de novo. This variant is not present in population databases (gnomAD no frequency). This sequence change replaces glycine, which is neutral and non-polar, with glutamic acid, which is acidic and polar, at codon 420 of the COL2A1 protein (p.Gly420Glu).

Literature cited by the submitters: PubMed 7695699; PubMed 8218237; PubMed 19344236; PubMed 9016532; PubMed 17078022; PubMed 26626311.